The following is an entry in ClinVar:

NM_001166114.2(PNPLA6):c.3028G>A (p.Gly1010Arg)

Gene: PNPLA6 (patatin like domain 6, lysophospholipase; plus strand). Cytogenetic location: 19p13.2.
Variant type: single nucleotide variant.
Coding change: c.3028G>A on transcript NM_001166114.2 (MANE Select); coding-DNA position 3028, G replaced by A.
Protein change: p.Gly1010Arg; replaces glycine 1010 with arginine.
Molecular consequence: missense variant.
Genome position (GRCh38, 1-based): chr19:7,555,698, G>A. VCF-style: chr19-7555698-G-A. GRCh37 (hg19) VCF-style: chr19-7620584-G-A.
Other names: c.2914G>A, p.Gly972Arg (NM_006702.5, NM_001166113.1); c.3058G>A, p.Gly1020Arg (NM_001166111.2); c.2833G>A, p.Gly945Arg (NM_001166112.2); short protein forms G1010R, G972R, G1020R, G945R.
Identifiers: ClinVar variation 873303 (VCV000873303.5), dbSNP rs768107851, ClinGen allele CA9140300.
Genomic context (GRCh38, chr19:7,555,698, plus strand): 5'-TTAGAGGAGGCGGGGGTCCCCGTGGACCTGGTGGGCGGCACGTCCATTGGCTCTTTCATC[G>A]GAGCGTTGTACGCGGAGGAGCGCAGCGCCAGCCGCACGAAGCAGCGGGCCCGGGAGTGGG-3'
Protein context (NP_001159586.1, residues 1000-1020): VGGTSIGSFI[Gly1010Arg]ALYAEERSAS

ClinVar aggregate classification (germline): Uncertain significance. Review status: criteria provided, multiple submitters, no conflicts (2 of 4 stars). 2 submissions from 2 submitters: Uncertain significance (2). Last evaluated 2022-06-08.

Conditions:
Amyotrophic lateral sclerosis (ALS). Also called: Charcot disease; Lou Gehrig disease. Identifiers: Orphanet 803, MedGen C0002736, MONDO:0004976, HP:0007354.
Hereditary spastic paraplegia 39 (SPG39). Also called: SPASTIC PARAPLEGIA 39, AUTOSOMAL RECESSIVE; Spastic Paraplegia Type 39 (SPG39). Identifiers: Orphanet 139480, MedGen C2677586, MONDO:0012787, OMIM 612020.

Allele frequency attached by ClinVar (database versions not stated): gnomAD exomes below 0.00001; ExAC 0.00001.
gnomAD v4.1: 5 of 1,613,718 alleles (0.00031%); highest among the groups gnomAD compares: Non-Finnish European, 0.00042%; no homozygotes.

Submissions (2):

Labcorp Genetics (formerly Invitae), Labcorp
Classification: Uncertain significance for Hereditary spastic paraplegia 39. Last evaluated: 2022-06-08. Review status: criteria provided, single submitter. Criteria: Invitae Variant Classification Sherloc (09022015). Collection method: clinical testing. Allele origin: germline.
Comment: In summary, the available evidence is currently insufficient to determine the role of this variant in disease. Therefore, it has been classified as a Variant of Uncertain Significance. Algorithms developed to predict the effect of sequence changes on RNA splicing suggest that this variant may create or strengthen a splice site. Algorithms developed to predict the effect of missense changes on protein structure and function are either unavailable or do not agree on the potential impact of this missense change (SIFT: "Deleterious"; PolyPhen-2: "Probably Damaging"; Align-GVGD: "Class C15"). ClinVar contains an entry for this variant (Variation ID: 873303). This missense change has been observed in individual(s) with clinical features of PNPLA6-related conditions (PMID: 32579787). This variant is present in population databases (rs768107851, gnomAD 0.0009%). This sequence change replaces glycine, which is neutral and non-polar, with arginine, which is basic and polar, at codon 972 of the PNPLA6 protein (p.Gly972Arg).

Suna and Inan Kirac Foundation Neurodegeneration Research Laboratory, Koc University
Classification: Uncertain significance for Amyotrophic lateral sclerosis. Last evaluated: 2020-03-31. Review status: criteria provided, single submitter. Criteria: ACMG Guidelines, 2015. Collection method: research. Allele origin: germline. Affected: yes. Observed: 1 variant allele.

Literature cited by the submitters: PubMed 32579787 (cited by Labcorp Genetics (formerly Invitae), Labcorp).